The following is an entry in ClinVar:

ClinVar aggregate classification (germline): Uncertain significance (1 of 4 stars; one submission).

Conditions:
Granulomatous disease, chronic, autosomal recessive, cytochrome b-positive, type 3. Also called: GRANULOMATOUS DISEASE, CHRONIC, DUE TO NCF4 DEFICIENCY; Granulomatous disease, chronic, autosomal recessive, cytochrome b-positive, type III; GRANULOMATOUS DISEASE, CHRONIC, AUTOSOMAL RECESSIVE, 3; CGD, AUTOSOMAL RECESSIVE CYTOCHROME b-POSITIVE, TYPE III. Identifiers: Orphanet 379, MedGen C3151409, MONDO:0013507, OMIM 613960.

Allele frequency attached by ClinVar (database versions not stated): gnomAD exomes below 0.00001.
gnomAD v4.1: 1 of 1,613,456 alleles (0.000062%); highest among the groups gnomAD compares: Non-Finnish European, 0.000085%; no homozygotes.

Submission:

Labcorp Genetics (formerly Invitae), Labcorp
Classification: Uncertain significance for Granulomatous disease, chronic, autosomal recessive, cytochrome b-positive, type 3. Last evaluated: 2022-07-06. Review status: criteria provided, single submitter. Criteria: Invitae Variant Classification Sherloc (09022015). Collection method: clinical testing. Allele origin: germline.
Comment: In summary, the available evidence is currently insufficient to determine the role of this variant in disease. Therefore, it has been classified as a Variant of Uncertain Significance. Algorithms developed to predict the effect of missense changes on protein structure and function are either unavailable or do not agree on the potential impact of this missense change (SIFT: "Deleterious"; PolyPhen-2: "Possibly Damaging"; Align-GVGD: "Class C0"). ClinVar contains an entry for this variant (Variation ID: 566597). This variant has not been reported in the literature in individuals affected with NCF4-related conditions. This variant is not present in population databases (gnomAD no frequency). This sequence change replaces glutamic acid, which is acidic and polar, with glutamine, which is neutral and polar, at codon 188 of the NCF4 protein (p.Glu188Gln).

NM_000631.5(NCF4):c.562G>C (p.Glu188Gln)

Gene: NCF4 (neutrophil cytosolic factor 4; plus strand). Cytogenetic location: 22q12.3.
Variant type: single nucleotide variant.
Coding change: c.562G>C on transcript NM_000631.5 (MANE Select); coding-DNA position 562, G replaced by C.
Protein change: p.Glu188Gln; replaces glutamic acid 188 with glutamine.
Molecular consequence: missense variant.
Genome position (GRCh38, 1-based): chr22:36,872,360, G>C. VCF-style: chr22-36872360-G-C. GRCh37 (hg19) VCF-style: chr22-37268402-G-C.
Other names: c.562G>C, p.Glu188Gln (NM_013416.4); short protein forms E188Q.
Identifiers: ClinVar variation 566597 (VCV000566597.9), dbSNP rs1569114734, ClinGen allele CA411385665.